The following is an entry in ClinVar:

NM_052872.4(IL17F):c.437T>G (p.Val146Gly)

Gene: IL17F (interleukin 17F; minus strand). Cytogenetic location: 6p12.2.
Variant type: single nucleotide variant.
Coding change: c.437T>G on transcript NM_052872.4 (MANE Select); coding-DNA position 437, T replaced by G.
Protein change: p.Val146Gly; replaces valine 146 with glycine.
Molecular consequence: missense variant.
Genome position (GRCh38, 1-based): chr6:52,236,986, A>C on the plus strand (T>G on the coding strand, the complement: IL17F is on the minus strand). VCF-style: chr6-52236986-A-C. GRCh37 (hg19) VCF-style: chr6-52101784-A-C.
Other names: short protein forms V146G.
Identifiers: ClinVar variation 1036014 (VCV001036014.8), dbSNP rs1763973005, ClinGen allele CA364444255.

ClinVar aggregate classification (germline): Uncertain significance (1 of 4 stars; one submission).

Conditions:
Candidiasis, familial, 6 (CANDF6). Also called: Candidiasis, familial, 6, autosomal dominant. Identifiers: Orphanet 1334, MedGen C3151405, MONDO:0013503, OMIM 613956.

Submission:

Labcorp Genetics (formerly Invitae), Labcorp
Classification: Uncertain significance for Candidiasis, familial, 6. Last evaluated: 2020-08-25. Review status: criteria provided, single submitter. Criteria: Invitae Variant Classification Sherloc (09022015). Collection method: clinical testing. Allele origin: germline.
Comment: This sequence change replaces valine with glycine at codon 146 of the IL17F protein (p.Val146Gly). The valine residue is weakly conserved and there is a moderate physicochemical difference between valine and glycine. This variant is not present in population databases (ExAC no frequency). This variant has not been reported in the literature in individuals with IL17F-related conditions. Algorithms developed to predict the effect of missense changes on protein structure and function are either unavailable or do not agree on the potential impact of this missense change (SIFT: "Deleterious"; PolyPhen-2: "Possibly Damaging"; Align-GVGD: "Class C15"). In summary, the available evidence is currently insufficient to determine the role of this variant in disease. Therefore, it has been classified as a Variant of Uncertain Significance.